The following is an entry in ClinVar:

ClinVar aggregate classification (germline): Uncertain significance. Review status: criteria provided, multiple submitters, no conflicts (2 of 4 stars). 3 submissions from 3 submitters: Uncertain significance (3). Last evaluated 2026-07-06.

Conditions:
TTN-related disorder. Also called: TTN-related condition; TTN-related disease; TTN-related disorders.

Allele frequency attached by ClinVar (database versions not stated): gnomAD 0.00001; TOPMed 0.00001.
gnomAD v4.1: 21 of 1,611,622 alleles (0.0013%); highest among the groups gnomAD compares: South Asian, 0.0033%; no homozygotes.

Submissions (3):

PreventionGenetics, part of Exact Sciences
Classification: Uncertain significance for TTN-related condition. Last evaluated: 2026-07-06. Review status: criteria provided, single submitter. Criteria: ACMG Guidelines, 2015. Collection method: clinical testing. Allele origin: germline.
Comment: The TTN c.29078C>T variant is predicted to result in the amino acid substitution p.Ala9693Val. To our knowledge, this variant has not been reported in the literature. This variant is reported in 0.0034% of alleles in individuals of South Asian descent in gnomAD. At this time, the clinical significance of this variant is uncertain due to the absence of conclusive functional and genetic evidence.

Women's Health and Genetics/Laboratory Corporation of America, LabCorp
Classification: Uncertain significance. Last evaluated: 2024-01-30. Review status: criteria provided, single submitter. Criteria: LabCorp Variant Classification Summary - May 2015. Collection method: clinical testing. Allele origin: germline.
Comment: Variant summary: TTN c.25346C>T (p.Ala8449Val) results in a non-conservative amino acid change located in the I-band of the encoded protein sequence. Two of three in-silico tools predict a benign effect of the variant on protein function. The variant allele was found at a frequency of 4.1e-06 in 245218 control chromosomes. The available data on variant occurrences in the general population are insufficient to allow any conclusion about variant significance. To our knowledge, no occurrence of c.25346C>T in individuals affected with Limb-Girdle Muscular Dystrophy, Type 2J and no experimental evidence demonstrating its impact on protein function have been reported. ClinVar contains an entry for this variant (Variation ID: 592936). Based on the evidence outlined above, the variant was classified as uncertain significance.

Eurofins Ntd Llc (ga)
Classification: Uncertain significance. Last evaluated: 2018-06-25. Review status: criteria provided, single submitter. Criteria: EGL ClinVar v180209 classification definitions. Collection method: clinical testing. Allele origin: germline. Observed: 2 variant alleles, 2 heterozygotes.

NM_001267550.2(TTN):c.29078C>T (p.Ala9693Val)

Gene: TTN (titin; minus strand). Cytogenetic location: 2q31.2.
Variant type: single nucleotide variant.
Coding change: c.29078C>T on transcript NM_001267550.2 (MANE Select); coding-DNA position 29078, C replaced by T.
Protein change: p.Ala9693Val; replaces alanine 9693 with valine.
Molecular consequence: missense variant. On other transcripts: intron variant (3).
Genome position (GRCh38, 1-based): chr2:178,706,918, G>A on the plus strand (C>T on the coding strand, the complement: TTN is on the minus strand). VCF-style: chr2-178706918-G-A. GRCh37 (hg19) VCF-style: chr2-179571645-G-A.
Other names: c.28127C>T, p.Ala9376Val (NM_001256850.1); c.25346C>T, p.Ala8449Val (NM_133378.4); c.13282+31164C>T (NM_003319.4); c.13858+31164C>T (NM_133437.4); c.13657+31164C>T (NM_133432.3); short protein forms A8449V, A9693V, A9376V.
Identifiers: ClinVar variation 592936 (VCV000592936.7), dbSNP rs767793508, ClinGen allele CA1999463.